The following is an entry in ClinVar:

NM_000784.4(CYP27A1):c.1A>G (p.Met1Val)

Gene: CYP27A1 (cytochrome P450 family 27 subfamily A member 1; plus strand). Cytogenetic location: 2q35.
Variant type: single nucleotide variant.
Coding change: c.1A>G on transcript NM_000784.4 (MANE Select); coding-DNA position 1, A replaced by G.
Protein change: p.Met1Val; changes the start codon (methionine 1).
Molecular consequence: missense variant, initiator codon variant.
Genome position (GRCh38, 1-based): chr2:218,782,183, A>G. VCF-style: chr2-218782183-A-G. GRCh37 (hg19) VCF-style: chr2-219646906-A-G.
Other names: short protein forms M1V.
Identifiers: ClinVar variation 550059 (VCV000550059.4), dbSNP rs1446633660, ClinGen allele CA350575144.

ClinVar aggregate classification (germline): Likely pathogenic. Review status: criteria provided, single submitter (1 of 4 stars). 2 submissions from 2 submitters: Likely pathogenic (1). 1 of the submissions does not count toward it. Last evaluated 2024-10-25.

Conditions:
Cholestanol storage disease (CTX). Also called: CEREBRAL CHOLESTERINOSIS; CTX: Cerebrotendinous xanthomatosis; Cerebrotendinous Xanthomatosis. Identifiers: Orphanet 909, MedGen C0238052, MONDO:0008948, OMIM 213700.

Allele frequency attached by ClinVar (database versions not stated): gnomAD exomes below 0.00001 and 0.00001; gnomAD 0.00001 and below 0.00001.

Submissions (2):

Natera, Inc.
Classification: Likely pathogenic for Cerebrotendinous xanthomatosis. Last evaluated: 2024-10-25. Review status: criteria provided, single submitter. Criteria: Natera Variant Classification Schema (03/2026). Collection method: clinical testing. Allele origin: germline.
Comment: The c.1A>G variant in CYP27A1 is predicted to result in start loss due to disruption of the initiator methionine. This variant is expected to result in nonsense mediated decay, truncation, or a dysfunctional protein product. This variant is rare in the general population with a frequency below the threshold expected for the associated phenotype(s). Given the available evidence, this variant is classified as Likely Pathogenic.

Counsyl
Classification: Uncertain significance for Cholestanol storage disease. Last evaluated: 2018-05-25. Review status: no assertion criteria provided. Collection method: clinical testing. Allele origin: unknown. Not counted in ClinVar's aggregate classification.